The following is an entry in ClinVar:

ClinVar aggregate classification (germline): Uncertain significance (1 of 4 stars; one submission).

Submission:

GeneDx
Classification: Uncertain significance. Last evaluated: 2024-08-27. Review status: criteria provided, single submitter. Criteria: GeneDx Variant Classification Process June 2021. Collection method: clinical testing. Allele origin: germline. Affected: yes.
Comment: Not observed at significant frequency in large population cohorts (gnomAD); In silico analysis supports that this missense variant has a deleterious effect on protein structure/function; Has not been previously published as pathogenic or benign to our knowledge

NM_001134407.3(GRIN2A):c.2415C>G (p.Asn805Lys)

Gene: GRIN2A (glutamate ionotropic receptor NMDA type subunit 2A; minus strand). Cytogenetic location: 16p13.2.
Variant type: single nucleotide variant.
Coding change: c.2415C>G on transcript NM_001134407.3 (MANE Select); coding-DNA position 2415, C replaced by G.
Protein change: p.Asn805Lys; replaces asparagine 805 with lysine.
Molecular consequence: missense variant.
Genome position (GRCh38, 1-based): chr16:9,769,031, G>C on the plus strand (C>G on the coding strand, the complement: GRIN2A is on the minus strand). VCF-style: chr16-9769031-G-C. GRCh37 (hg19) VCF-style: chr16-9862888-G-C.
Other names: c.2415C>G, p.Asn805Lys (NM_000833.5, NM_001134408.2); short protein forms N805K.
Identifiers: ClinVar variation 3766318 (VCV003766318.1).
Genomic context (GRCh38, chr16:9,769,031, plus strand): 5'-AGCCAGCATGTAGAATACGCCCGCCATGTTGTCAATGTCCAGCTGGCTGCTCATCACCTC[G>C]TTCTTCTCGTTGTGGCAGATCCCAGTGAGCCACAGGGTCTCCAGCTCCTCCATCTCACCT-3'
Protein context (NP_001127879.1, residues 795-815): WLTGICHNEK[Asn805Lys]EVMSSQLDID